The following is an entry in ClinVar:

NM_005343.4(HRAS):c.-95CGGCCC[1]

Genes: LRRC56 (leucine rich repeat containing 56; plus strand), HRAS (HRas proto-oncogene, GTPase; minus strand). Cytogenetic location: 11p15.5.
Variant type: Microsatellite.
Coding change: c.-95CGGCCC[1] on transcript NM_005343.4 (MANE Select); one copy of the 6-base unit CGGCCC starting at c.-95; the reference has two copies in a row; one copy, 6 bases deleted.
Molecular consequence: 5 prime UTR variant.
Genome position (GRCh38, 1-based): chr11:535,446-535,451, GGGCCG deleted on the plus strand (CGGCCC on the coding strand, the reverse complement: HRAS is on the minus strand); deleting any 6 consecutive bases within chr11:535,446-535,457 gives the same sequence; the position shown is the placement nearest the transcript's 3' end. VCF-style (leftmost placement, unchanged base first): chr11-535445-AGGGCCG-A. GRCh37 (hg19) VCF-style: chr11-535445-AGGGCCG-A.
Other names: c.-95CGGCCC[1] (NM_001130442.3, NM_176795.5); c.-414CGGCCC[1] (NM_001318054.2).
Identifiers: ClinVar variation 418632 (VCV000418632.1), dbSNP rs112488103, ClinGen allele CA16619348.

ClinVar aggregate classification (germline): Benign (1 of 4 stars; one submission).

Submission:

GeneDx
Classification: Benign. Last evaluated: 2015-09-10. Review status: criteria provided, single submitter. Criteria: GeneDx Variant Classification (06012015). Collection method: clinical testing. Allele origin: germline. Affected: yes.
Comment: This variant is considered likely benign or benign based on one or more of the following criteria: it is a conservative change, it occurs at a poorly conserved position in the protein, it is predicted to be benign by multiple in silico algorithms, and/or has population frequency not consistent with disease.